The following is an entry in ClinVar:

ClinVar aggregate classification (germline): Likely benign. Review status: criteria provided, multiple submitters, no conflicts (2 of 4 stars). 5 submissions from 5 submitters: Likely benign (5). Last evaluated 2024-11-25.

Conditions:
Hypoparathyroidism, deafness, renal disease syndrome (HDRS). Also called: HYPOPARATHYROIDISM, SENSORINEURAL DEAFNESS, AND RENAL DYSPLASIA SYNDROME. Identifiers: Orphanet 2237, MedGen C1840333, MONDO:0007797, OMIM 146255.

Allele frequency attached by ClinVar (database versions not stated): ExAC 0.00014; TOPMed 0.00015; 1000 Genomes Project 30x 0.00016; gnomAD exomes 0.00016 and 0.00020; gnomAD 0.00017 and 0.00018; 1000 Genomes Project 0.00020; ESP Exome Variant Server 0.00023.
gnomAD v4.1: 318 of 1,613,088 alleles (0.02%); highest among the groups gnomAD compares: Non-Finnish European, 0.025%; no homozygotes.

Submissions (5):

Blueprint Genetics
Classification: Likely benign. Last evaluated: 2024-11-25. Review status: criteria provided, single submitter. Criteria: ACMG Guidelines, 2015. Collection method: clinical testing. Allele origin: germline.

CeGaT Center for Human Genetics Tuebingen
Classification: Likely benign. Last evaluated: 2024-11-01. Review status: criteria provided, single submitter. Criteria: CeGaT Center For Human Genetics Tuebingen Variant Classification Criteria Version 2. Collection method: clinical testing. Allele origin: germline. Affected: yes. Observed: 1 variant allele.
Comment: GATA3: BP4, BP7

Labcorp Genetics (formerly Invitae), Labcorp
Classification: Likely benign. Last evaluated: 2024-10-30. Review status: criteria provided, single submitter. Criteria: Invitae Variant Classification Sherloc (09022015). Collection method: clinical testing. Allele origin: germline.

Fulgent Genetics
Classification: Likely benign for Hypoparathyroidism, deafness, renal disease syndrome. Last evaluated: 2022-02-09. Review status: criteria provided, single submitter. Criteria: ACMG Guidelines, 2015. Collection method: clinical testing. Allele origin: unknown.

GeneDx
Classification: Likely benign. Last evaluated: 2021-03-15. Review status: criteria provided, single submitter. Criteria: GeneDx Variant Classification Process June 2021. Collection method: clinical testing. Allele origin: germline. Affected: yes.

NM_001002295.2(GATA3):c.591G>A (p.Glu197=)

Gene: GATA3 (GATA binding protein 3; plus strand). Cytogenetic location: 10p14.
Variant type: single nucleotide variant.
Coding change: c.591G>A on transcript NM_001002295.2 (MANE Select); coding-DNA position 591, G replaced by A.
Protein change: p.Glu197=; no amino-acid change (glutamic acid 197 retained).
Molecular consequence: synonymous variant.
Genome position (GRCh38, 1-based): chr10:8,058,654, G>A. VCF-style: chr10-8058654-G-A. GRCh37 (hg19) VCF-style: chr10-8100617-G-A.
Other names: c.591G>A, p.Glu197= (NM_002051.3).
Identifiers: ClinVar variation 1186318 (VCV001186318.21), dbSNP rs372630189, ClinGen allele CA5404405.